The following is an entry in ClinVar:

NM_006231.4(POLE):c.784G>C (p.Asp262His)

Gene: POLE (DNA polymerase epsilon, catalytic subunit; minus strand). Cytogenetic location: 12q24.33.
Variant type: single nucleotide variant.
Coding change: c.784G>C on transcript NM_006231.4 (MANE Select); coding-DNA position 784, G replaced by C.
Protein change: p.Asp262His; replaces aspartic acid 262 with histidine.
Molecular consequence: missense variant.
Genome position (GRCh38, 1-based): chr12:132,677,380, C>G on the plus strand (G>C on the coding strand, the complement: POLE is on the minus strand). VCF-style: chr12-132677380-C-G. GRCh37 (hg19) VCF-style: chr12-133253966-C-G.
Other names: c.784G>C (NM_006231.2); short protein forms D262H.
Identifiers: ClinVar variation 1521456 (VCV001521456.6), dbSNP rs754730369, ClinGen allele CA387364433.

ClinVar aggregate classification (germline): Uncertain significance. Review status: criteria provided, multiple submitters, no conflicts (2 of 4 stars). 2 submissions from 2 submitters: Uncertain significance (2). Last evaluated 2023-10-02.

Conditions:
Hereditary cancer-predisposing syndrome. Also called: Hereditary neoplastic syndrome; Hereditary Cancer Syndrome; Tumor predisposition; Neoplastic Syndromes, Hereditary. Identifiers: Orphanet 140162, MedGen C0027672, MeSH D009386, MONDO:0015356.

Submissions (2):

Ambry Genetics
Classification: Uncertain significance for Hereditary cancer-predisposing syndrome. Last evaluated: 2023-10-02. Review status: criteria provided, single submitter. Criteria: Ambry Variant Classification Scheme 2023. Collection method: clinical testing. Allele origin: germline.
Comment: The p.D262H variant (also known as c.784G>C), located in coding exon 8 of the POLE gene, results from a G to C substitution at nucleotide position 784. The aspartic acid at codon 262 is replaced by histidine, an amino acid with similar properties. This amino acid position is conserved. In addition, the in silico prediction for this alteration is inconclusive. Since supporting evidence is limited at this time, the clinical significance of this alteration remains unclear.

Labcorp Genetics (formerly Invitae), Labcorp
Classification: Uncertain significance. Last evaluated: 2021-08-09. Review status: criteria provided, single submitter. Criteria: Invitae Variant Classification Sherloc (09022015). Collection method: clinical testing. Allele origin: germline.
Comment: In summary, the available evidence is currently insufficient to determine the role of this variant in disease. Therefore, it has been classified as a Variant of Uncertain Significance. Algorithms developed to predict the effect of missense changes on protein structure and function are either unavailable or do not agree on the potential impact of this missense change (SIFT: "Tolerated"; PolyPhen-2: "Probably Damaging"; Align-GVGD: "Class C0"). This variant has not been reported in the literature in individuals affected with POLE-related conditions. This variant is not present in population databases (ExAC no frequency). This sequence change replaces aspartic acid with histidine at codon 262 of the POLE protein (p.Asp262His). The aspartic acid residue is highly conserved and there is a moderate physicochemical difference between aspartic acid and histidine.